The following is an entry in ClinVar:

ClinVar aggregate classification (germline): Likely benign (1 of 4 stars; one submission).

gnomAD v4.1: 84 of 1,242,700 alleles (0.0068%); highest among the groups gnomAD compares: Non-Finnish European, 0.0075%; no homozygotes.

Submission:

CeGaT Center for Human Genetics Tuebingen
Classification: Likely benign. Last evaluated: 2026-02-01. Review status: criteria provided, single submitter. Criteria: CeGaT Center For Human Genetics Tuebingen Variant Classification Criteria Version 2. Collection method: clinical testing. Allele origin: germline. Affected: yes. Observed: 1 variant allele.
Comment: ATAD3A: BP4, BP7

NM_001170535.3(ATAD3A):c.81C>T (p.Pro27=)

Gene: ATAD3A (ATPase family AAA domain containing 3A; plus strand). Cytogenetic location: 1p36.33.
Variant type: single nucleotide variant.
Coding change: c.81C>T on transcript NM_001170535.3 (MANE Select); coding-DNA position 81, C replaced by T.
Protein change: p.Pro27=; no amino-acid change (proline 27 retained).
Molecular consequence: synonymous variant.
Genome position (GRCh38, 1-based): chr1:1,512,349, C>T. VCF-style: chr1-1512349-C-T. GRCh37 (hg19) VCF-style: chr1-1447729-C-T.
Other names: c.81C>T, p.Pro27= (NM_018188.5).
Identifiers: ClinVar variation 4822323 (VCV004822323.4).